The following is an entry in ClinVar:

NM_000455.5(STK11):c.639C>A (p.Ser213Arg)

Gene: STK11 (serine/threonine kinase 11; plus strand). Cytogenetic location: 19p13.3.
Variant type: single nucleotide variant.
Coding change: c.639C>A on transcript NM_000455.5 (MANE Select); coding-DNA position 639, C replaced by A.
Protein change: p.Ser213Arg; replaces serine 213 with arginine.
Molecular consequence: missense variant. On other transcripts: non-coding transcript variant (1).
Genome position (GRCh38, 1-based): chr19:1,220,622, C>A. VCF-style: chr19-1220622-C-A. GRCh37 (hg19) VCF-style: chr19-1220621-C-A.
Other names: c.639C>A, p.Ser213Arg (NM_001407255.1); short protein forms S213R.
Identifiers: ClinVar variation 3323262 (VCV003323262.1).
Genomic context (GRCh38, chr19:1,220,622, plus strand): 5'-CTGCACGGCACCGCCACAGGCACTGCACCCGTTCGCGGCGGACGACACCTGCCGGACCAG[C>A]CAGGGCTCCCCGGCTTTCCAGCCGCCCGAGATTGCCAACGGCCTGGACACCTTCTCCGGC-3'
Protein context (NP_000446.1, residues 203-223): PFAADDTCRT[Ser213Arg]QGSPAFQPPE

ClinVar aggregate classification (germline): Uncertain significance (1 of 4 stars; one submission).

Conditions:
Hereditary cancer-predisposing syndrome. Also called: Neoplastic Syndromes, Hereditary; Tumor predisposition; Hereditary neoplastic syndrome; Hereditary Cancer Syndrome. Identifiers: Orphanet 140162, MedGen C0027672, MeSH D009386, MONDO:0015356.

Submission:

Ambry Genetics
Classification: Uncertain significance for Hereditary cancer-predisposing syndrome. Last evaluated: 2024-04-05. Review status: criteria provided, single submitter. Criteria: Ambry Variant Classification Scheme 2023. Collection method: clinical testing. Allele origin: germline.
Comment: The p.S213R variant (also known as c.639C>A), located in coding exon 5 of the STK11 gene, results from a C to A substitution at nucleotide position 639. The serine at codon 213 is replaced by arginine, an amino acid with dissimilar properties. This amino acid position is conserved. In addition, this alteration is predicted to be deleterious by in silico analysis. Based on the available evidence, the clinical significance of this variant remains unclear.